The following is an entry in ClinVar:

NM_139058.3(ARX):c.590G>A (p.Gly197Asp)

Gene: ARX (aristaless related homeobox; minus strand). Cytogenetic location: Xp21.3.
Variant type: single nucleotide variant.
Coding change: c.590G>A on transcript NM_139058.3 (MANE Select); coding-DNA position 590, G replaced by A.
Protein change: p.Gly197Asp; replaces glycine 197 with aspartic acid.
Molecular consequence: missense variant.
Genome position (GRCh38, 1-based): chrX:25,013,405, C>T on the plus strand (G>A on the coding strand, the complement: ARX is on the minus strand). VCF-style: chrX-25013405-C-T. GRCh37 (hg19) VCF-style: chrX-25031522-C-T.
Other names: short protein forms G197D.
Identifiers: ClinVar variation 96457 (VCV000096457.5), dbSNP rs398124513, ClinGen allele CA224127.
Genomic context (GRCh38, chrX:25,013,405, plus strand): 5'-GCAGCCGGGGCGCTGCCCGGGCCGCCGGCCACGCCGAGGCGCTCCTCCGGGTGCGTGACG[C>T]CCCCCGGGCCGCCCAGCTCGTCCAGCGCGGGCGGCGGCGGCACGAAGGGCGCCCCGTTCT-3'
Protein context (NP_620689.1, residues 187-207): PALDELGGPG[Gly197Asp]VTHPEERLGV

ClinVar aggregate classification (germline): Conflicting classifications of pathogenicity. Review status: criteria provided, conflicting classifications (1 of 4 stars). 2 submissions from 2 submitters: Uncertain significance (1); Likely benign (1). Last evaluated 2025-12-04.

Conditions:
Intellectual disability, X-linked, with or without seizures, ARX-related. Also called: INTELLECTUAL DEVELOPMENTAL DISORDER, X-LINKED 29; MENTAL RETARDATION, X-LINKED 29; MENTAL RETARDATION, X-LINKED 32; MENTAL RETARDATION, X-LINKED 33; MENTAL RETARDATION, X-LINKED 38; MENTAL RETARDATION, X-LINKED 43. Identifiers: Orphanet 777, MedGen C0796244, MONDO:0010317, OMIM 300419.
Developmental and epileptic encephalopathy, 1 (DEE1). Also called: X-linked infantile spasms; West's syndrome; Tonic spasms with clustering, arrest of psychomotor development and hypsarrhythmia on EEG; X-Linked Infantile Spasm Syndrome; OHTAHARA SYNDROME, X-LINKED; Epileptic encephalopathy, early infantile, 1. Identifiers: MedGen C3463992, MONDO:0010632, OMIM 308350. Disease mechanism: loss of function.

Allele frequency attached by ClinVar (database versions not stated): gnomAD exomes below 0.00001.
gnomAD v4.1: 3 of 1,014,818 alleles (0.0003%); highest among the groups gnomAD compares: African/African-American, 0.0061%; no homozygotes.

Submissions (2):

Labcorp Genetics (formerly Invitae), Labcorp
Classification: Uncertain significance for Developmental and epileptic encephalopathy, 1; Intellectual disability, X-linked, with or without seizures, ARX-related. Last evaluated: 2025-12-04. Review status: criteria provided, single submitter. Criteria: Invitae Variant Classification Sherloc (09022015). Collection method: clinical testing. Allele origin: germline.
Comment: This sequence change replaces glycine, which is neutral and non-polar, with aspartic acid, which is acidic and polar, at codon 197 of the ARX protein (p.Gly197Asp). The frequency data for this variant in the population databases is considered unreliable, as metrics indicate insufficient coverage at this position in the gnomAD database. This variant has not been reported in the literature in individuals affected with ARX-related conditions. ClinVar contains an entry for this variant (Variation ID: 96457). Invitae Evidence Modeling of protein sequence and biophysical properties (such as structural, functional, and spatial information, amino acid conservation, physicochemical variation, residue mobility, and thermodynamic stability) has been performed for this missense variant. However, the output from this modeling did not meet the statistical confidence thresholds required to predict the impact of this variant on ARX protein function. In summary, the available evidence is currently insufficient to determine the role of this variant in disease. Therefore, it has been classified as a Variant of Uncertain Significance.

GeneDx
Classification: Likely benign. Last evaluated: 2019-05-08. Review status: criteria provided, single submitter. Criteria: GeneDx Variant Classification Process June 2021. Collection method: clinical testing. Allele origin: germline. Affected: yes.
Comment: A variant of uncertain significance has been identified in the ARX gene. The G197D variant has not been published as a pathogenic variant, nor has it been reported as a benign variant to our knowledge. The G197D variant is not observed in large population cohorts (Lek et al., 2016). The G197D variant is a non-conservative amino acid substitution, which is likely to impact secondary protein structure as these residues differ in polarity, charge, size and/or other properties. In-silico analyses, including protein predictors and evolutionary conservation, support that this variant does not alter protein structure/function. Therefore, based on the currently available information, it is unclear whether this variant is a pathogenic variant or a rare benign variant.